The following is an entry in ClinVar:

NM_005996.4(TBX3):c.1556T>C (p.Met519Thr)

Gene: TBX3 (T-box transcription factor 3; minus strand). Cytogenetic location: 12q24.21.
Variant type: single nucleotide variant.
Coding change: c.1556T>C on transcript NM_005996.4 (MANE Select); coding-DNA position 1556, T replaced by C.
Protein change: p.Met519Thr; replaces methionine 519 with threonine.
Molecular consequence: missense variant.
Genome position (GRCh38, 1-based): chr12:114,674,319, A>G on the plus strand (T>C on the coding strand, the complement: TBX3 is on the minus strand). VCF-style: chr12-114674319-A-G. GRCh37 (hg19) VCF-style: chr12-115112124-A-G.
Other names: c.1616T>C, p.Met539Thr (NM_016569.4); c.1616T>C (NM_016569.3); short protein forms M519T, M539T.
Identifiers: ClinVar variation 1902399 (VCV001902399.6), dbSNP rs1243297711, ClinGen allele CA386868689.
Genomic context (GRCh38, chr12:114,674,319, plus strand): 5'-GTGGAATCCAGGCCCGAGACACCGGTGGAGGCCCCAGAAACCGTGGCCAGGAGGGGACCC[A>G]TGCCAGCGGCCGCCATGCTGGAGAAGGCGCCCCCCATGGCAAACTGGCTGGGGTGCAGGA-3'
Protein context (NP_005987.3, residues 509-529): GAFSSMAAAG[Met519Thr]GPLLATVSGA

ClinVar aggregate classification (germline): Uncertain significance. Review status: criteria provided, single submitter (1 of 4 stars). 2 submissions from 2 submitters: Uncertain significance (1). 1 of the submissions does not count toward it. Last evaluated 2024-10-24.

Conditions:
TBX3-related disorder. Also called: TBX3-related condition.
Ulnar-mammary syndrome (UMS). Also called: PALLISTER ULNAR-MAMMARY SYNDROME; SCHINZEL SYNDROME; Ulnar-mammary syndrome of Pallister. Identifiers: Orphanet 3138, MedGen C1866994, MONDO:0008411, OMIM 181450.

Allele frequency attached by ClinVar (database versions not stated): gnomAD exomes below 0.00001.
gnomAD v4.1: 2 of 1,573,326 alleles (0.00013%); highest among the groups gnomAD compares: Non-Finnish European, 0.00017%; no homozygotes.

Submissions (2):

Labcorp Genetics (formerly Invitae), Labcorp
Classification: Uncertain significance for Ulnar-mammary syndrome. Last evaluated: 2024-10-24. Review status: criteria provided, single submitter. Criteria: Invitae Variant Classification Sherloc (09022015). Collection method: clinical testing. Allele origin: germline.
Comment: This sequence change replaces methionine, which is neutral and non-polar, with threonine, which is neutral and polar, at codon 519 of the TBX3 protein (p.Met519Thr). This variant is present in population databases (no rsID available, gnomAD 0.001%). This variant has not been reported in the literature in individuals affected with TBX3-related conditions. ClinVar contains an entry for this variant (Variation ID: 1902399). An algorithm developed to predict the effect of missense changes on protein structure and function (PolyPhen-2) suggests that this variant is likely to be disruptive. In summary, the available evidence is currently insufficient to determine the role of this variant in disease. Therefore, it has been classified as a Variant of Uncertain Significance.

PreventionGenetics, part of Exact Sciences
Classification: Uncertain significance for TBX3-related condition. Last evaluated: 2024-03-06. Review status: no assertion criteria provided. Collection method: clinical testing. Allele origin: germline. Not counted in ClinVar's aggregate classification.
Comment: The TBX3 c.1616T>C variant is predicted to result in the amino acid substitution p.Met539Thr. To our knowledge, this variant has not been reported in the literature. This variant is reported in 0.0014% of alleles in individuals of European (Non-Finnish) descent in gnomAD. At this time, the clinical significance of this variant is uncertain due to the absence of conclusive functional and genetic evidence.